The following is an entry in ClinVar:

ClinVar aggregate classification (germline): Likely benign. Review status: criteria provided, multiple submitters, no conflicts (2 of 4 stars). 4 submissions from 4 submitters: Likely benign (4). Last evaluated 2026-04-01.

Conditions:
Immunodeficiency 25. Also called: Immunodeficiency due to defect in cd3-zeta, somatic. Identifiers: MedGen C1857798, MONDO:0012426, OMIM 610163.

Allele frequency attached by ClinVar (database versions not stated): ExAC 0.00001; gnomAD 0.00002 and 0.00003; TOPMed 0.00002; gnomAD exomes 0.00003; ESP Exome Variant Server 0.00008.
gnomAD v4.1: 47 of 1,614,196 alleles (0.0029%); highest among the groups gnomAD compares: Middle Eastern, 0.082%; 1 homozygote.

Submissions (4):

CeGaT Center for Human Genetics Tuebingen
Classification: Likely benign. Last evaluated: 2026-04-01. Review status: criteria provided, single submitter. Criteria: CeGaT Center For Human Genetics Tuebingen Variant Classification Criteria Version 2. Collection method: clinical testing. Allele origin: germline. Affected: yes. Observed: 1 variant allele.
Comment: CD247: BP4, BP7

Labcorp Genetics (formerly Invitae), Labcorp
Classification: Likely benign for Immunodeficiency 25. Last evaluated: 2025-12-02. Review status: criteria provided, single submitter. Criteria: Invitae Variant Classification Sherloc (09022015). Collection method: clinical testing. Allele origin: germline.

Blueprint Genetics
Classification: Likely benign. Last evaluated: 2024-03-19. Review status: criteria provided, single submitter. Criteria: ACMG Guidelines, 2015. Collection method: clinical testing. Allele origin: germline.

Breakthrough Genomics
Classification: Likely benign. Review status: criteria provided, single submitter. Criteria: ACMG Guidelines, 2015. Collection method: not provided. Allele origin: germline. Inheritance: Autosomal recessive inheritance. Affected: yes.

NM_198053.3(CD247):c.411G>C (p.Gly137=)

Gene: CD247 (CD247 molecule; minus strand). Cytogenetic location: 1q24.2.
Variant type: single nucleotide variant.
Coding change: c.411G>C on transcript NM_198053.3 (MANE Select); coding-DNA position 411, G replaced by C.
Protein change: p.Gly137=; no amino-acid change (glycine 137 retained).
Molecular consequence: synonymous variant.
Genome position (GRCh38, 1-based): chr1:167,433,042, C>G on the plus strand (G>C on the coding strand, the complement: CD247 is on the minus strand). VCF-style: chr1-167433042-C-G. GRCh37 (hg19) VCF-style: chr1-167402279-C-G.
Other names: c.408G>C, p.Gly136= (NM_000734.4); c.504G>C, p.Gly168= (NM_001378515.1); c.501G>C, p.Gly167= (NM_001378516.1).
Identifiers: ClinVar variation 534699 (VCV000534699.12), dbSNP rs148298128, ClinGen allele CA1225897.